The following is an entry in ClinVar:

NM_017934.7(PHIP):c.4307C>G (p.Thr1436Ser)

Genes: IRAK1BP1 (interleukin 1 receptor associated kinase 1 binding protein 1; plus strand), PHIP (PHIP subunit of CUL4-Ring ligase complex; minus strand). Cytogenetic location: 6q14.1.
Variant type: single nucleotide variant.
Coding change: c.4307C>G on transcript NM_017934.7 (MANE Select); coding-DNA position 4307, C replaced by G.
Protein change: p.Thr1436Ser; replaces threonine 1436 with serine.
Molecular consequence: missense variant.
Genome position (GRCh38, 1-based): chr6:78,946,774, G>C on the plus strand (C>G on the coding strand, the complement: PHIP is on the minus strand). VCF-style: chr6-78946774-G-C. GRCh37 (hg19) VCF-style: chr6-79656491-G-C.
Other names: c.4307C>G (NM_017934.6, NM_017934.5); short protein forms T1436S.
Identifiers: ClinVar variation 2873140 (VCV002873140.5), dbSNP rs771484458, ClinGen allele CA3899475.
Genomic context (GRCh38, chr6:78,946,774, plus strand): 5'-GATGCAGCACTACTGGAAACAGAGCTGCTTCTGTTTCTTTTCTTCCTCCTTTTGGTTATG[G>C]TATTTCTTTTATGAAAACGAAGAGCAGATTTATAATCTGATAAAACTGAACTAATGTGTT-3'
Protein context (NP_060404.4, residues 1426-1446): KSALRFHKRN[Thr1436Ser]ITKRRKKRNR

ClinVar aggregate classification (germline): Uncertain significance. Review status: criteria provided, multiple submitters, no conflicts (2 of 4 stars). 3 submissions from 3 submitters: Uncertain significance (3). Last evaluated 2026-08-20.

Conditions:
Inborn genetic diseases. Identifiers: MedGen C0950123, MeSH D030342.
PHIP-related disorder. Also called: PHIP-related condition; PHIP-related disorders.

Allele frequency attached by ClinVar (database versions not stated): ExAC 0.00002; gnomAD 0.00001; gnomAD exomes 0.00001; TOPMed 0.00001.
gnomAD v4.1: 21 of 1,591,256 alleles (0.0013%); highest among the groups gnomAD compares: Admixed American, 0.0018%; no homozygotes.

Submissions (3):

PreventionGenetics, part of Exact Sciences
Classification: Uncertain significance for PHIP-related condition. Last evaluated: 2026-08-20. Review status: criteria provided, single submitter. Criteria: ACMG Guidelines, 2015. Collection method: clinical testing. Allele origin: germline.
Comment: The PHIP c.4307C>G variant is predicted to result in the amino acid substitution p.Thr1436Ser. To our knowledge, this variant has not been reported in the literature. This variant is reported in 0.0028% of alleles in individuals of European (Non-Finnish) descent in gnomAD. At this time, the clinical significance of this variant is uncertain due to the absence of conclusive functional and genetic evidence.

Ambry Genetics
Classification: Uncertain significance for Inborn genetic diseases. Last evaluated: 2025-11-11. Review status: criteria provided, single submitter. Criteria: Ambry Variant Classification Scheme 2023. Collection method: clinical testing. Allele origin: germline.

Labcorp Genetics (formerly Invitae), Labcorp
Classification: Uncertain significance. Last evaluated: 2024-09-01. Review status: criteria provided, single submitter. Criteria: Invitae Variant Classification Sherloc (09022015). Collection method: clinical testing. Allele origin: germline.
Comment: This sequence change replaces threonine, which is neutral and polar, with serine, which is neutral and polar, at codon 1436 of the PHIP protein (p.Thr1436Ser). This variant is present in population databases (rs771484458, gnomAD 0.003%). This variant has not been reported in the literature in individuals affected with PHIP-related conditions. Invitae Evidence Modeling of protein sequence and biophysical properties (such as structural, functional, and spatial information, amino acid conservation, physicochemical variation, residue mobility, and thermodynamic stability) indicates that this missense variant is not expected to disrupt PHIP protein function with a negative predictive value of 80%. In summary, the available evidence is currently insufficient to determine the role of this variant in disease. Therefore, it has been classified as a Variant of Uncertain Significance.